The following is an entry in ClinVar:

NM_182746.3(MCM4):c.604G>A (p.Val202Ile)

Gene: MCM4 (minichromosome maintenance complex component 4; plus strand). Cytogenetic location: 8q11.21.
Variant type: single nucleotide variant.
Coding change: c.604G>A on transcript NM_182746.3 (MANE Select); coding-DNA position 604, G replaced by A.
Protein change: p.Val202Ile; replaces valine 202 with isoleucine.
Molecular consequence: missense variant.
Genome position (GRCh38, 1-based): chr8:47,962,951, G>A. VCF-style: chr8-47962951-G-A. GRCh37 (hg19) VCF-style: chr8-48875511-G-A.
Other names: c.604G>A, p.Val202Ile (LRG_1239t1, NM_005914.4); short protein forms V202I.
Identifiers: ClinVar variation 626138 (VCV000626138.10), dbSNP rs748499898, ClinGen allele CA4742370.

ClinVar aggregate classification (germline): Uncertain significance. Review status: criteria provided, multiple submitters, no conflicts (2 of 4 stars). 2 submissions from 2 submitters: Uncertain significance (2). Last evaluated 2026-01-12.

Conditions:
Primary immunodeficiency with natural-killer cell deficiency and adrenal insufficiency (IMD54). Also called: Natural killer cell and glucocorticoid deficiency with DNA repair defect; IMMUNODEFICIENCY 54. Identifiers: Orphanet 75391, MedGen C1864947, MONDO:0012383, OMIM 609981.

Allele frequency attached by ClinVar (database versions not stated): gnomAD 0.00001 and 0.00004; gnomAD exomes 0.00001; TOPMed 0.00001; ExAC 0.00003.

Submissions (2):

Labcorp Genetics (formerly Invitae), Labcorp
Classification: Uncertain significance. Last evaluated: 2026-01-12. Review status: criteria provided, single submitter. Criteria: Invitae Variant Classification Sherloc (09022015). Collection method: clinical testing. Allele origin: germline.
Comment: This sequence change replaces valine, which is neutral and non-polar, with isoleucine, which is neutral and non-polar, at codon 202 of the MCM4 protein (p.Val202Ile). This variant is present in population databases (rs748499898, gnomAD 0.003%). This variant has not been reported in the literature in individuals affected with MCM4-related conditions. ClinVar contains an entry for this variant (Variation ID: 626138). Invitae Evidence Modeling of protein sequence and biophysical properties (such as structural, functional, and spatial information, amino acid conservation, physicochemical variation, residue mobility, and thermodynamic stability) indicates that this missense variant is not expected to disrupt MCM4 protein function with a negative predictive value of 80%. In summary, the available evidence is currently insufficient to determine the role of this variant in disease. Therefore, it has been classified as a Variant of Uncertain Significance.

Center for Genomics, Ann and Robert H. Lurie Children's Hospital of Chicago
Classification: Uncertain significance for Primary immunodeficiency with natural-killer cell deficiency and adrenal insufficiency. Last evaluated: 2021-03-30. Review status: criteria provided, single submitter. Criteria: ACMG Guidelines, 2015. Collection method: clinical testing. Allele origin: germline.
Comment: MCM4 NM_005914 exon 6 p.Val202Ile (c.604G>A): This variant has not been reported in the literature but is present in 3/108322 European alleles in the Genome Aggregation Database. Evolutionary conservation and computational predictive tools suggest that this variant may not impact the protein. In summary, data on this variant is insufficient for disease classification. Therefore, the clinical significance of this variant is uncertain.